The following is an entry in ClinVar:

NM_000038.6(APC):c.6878G>A (p.Gly2293Asp)

Gene: APC (APC regulator of Wnt signaling pathway; plus strand). Cytogenetic location: 5q22.2.
Variant type: single nucleotide variant.
Coding change: c.6878G>A on transcript NM_000038.6 (MANE Select); coding-DNA position 6878, G replaced by A.
Protein change: p.Gly2293Asp; replaces glycine 2293 with aspartic acid.
Molecular consequence: missense variant. On other transcripts: non-coding transcript variant (2).
Genome position (GRCh38, 1-based): chr5:112,842,472, G>A. VCF-style: chr5-112842472-G-A. GRCh37 (hg19) VCF-style: chr5-112178169-G-A.
Other names: c.6878G>A, p.Gly2293Asp (NM_001127510.3, NM_001354895.2, NM_001407450.1); c.6824G>A, p.Gly2275Asp (NM_001127511.3); c.6932G>A, p.Gly2311Asp (NM_001354896.2, NM_001407447.1, NM_001407448.1 and 1 more transcripts); c.6908G>A, p.Gly2303Asp (NM_001354897.2); c.6803G>A, p.Gly2268Asp (NM_001354898.2); c.6794G>A, p.Gly2265Asp (NM_001354899.2); c.6755G>A, p.Gly2252Asp (NM_001354900.2); c.6701G>A, p.Gly2234Asp (NM_001354901.2, NM_001407453.1); and 12 more; short protein forms G2010D, G2133D, G2164D, G2283D, G2286D, G2321D, G1909D, G2303D.
Identifiers: ClinVar variation 2708906 (VCV002708906.4), dbSNP rs1299914025, ClinGen allele CA16036341.

ClinVar aggregate classification (germline): Uncertain significance. Review status: criteria provided, multiple submitters, no conflicts (2 of 4 stars). 2 submissions from 2 submitters: Uncertain significance (2). Last evaluated 2025-01-23.

Conditions:
Hereditary cancer-predisposing syndrome. Also called: Neoplastic Syndromes, Hereditary; Tumor predisposition; Hereditary Cancer Syndrome; Hereditary neoplastic syndrome. Identifiers: Orphanet 140162, MedGen C0027672, MeSH D009386, MONDO:0015356.
Familial adenomatous polyposis 1 (FAP1). Also called: FAMILIAL ADENOMATOUS POLYPOSIS 1, ATTENUATED; POLYPOSIS, ADENOMATOUS INTESTINAL. Identifiers: MedGen C2713442, MONDO:0021056, OMIM 175100. Disease mechanism: loss of function.

Submissions (2):

Labcorp Genetics (formerly Invitae), Labcorp
Classification: Uncertain significance for Familial adenomatous polyposis 1. Last evaluated: 2025-01-23. Review status: criteria provided, single submitter. Criteria: Invitae Variant Classification Sherloc (09022015). Collection method: clinical testing. Allele origin: germline.
Comment: This sequence change replaces glycine, which is neutral and non-polar, with aspartic acid, which is acidic and polar, at codon 2293 of the APC protein (p.Gly2293Asp). This variant is not present in population databases (gnomAD no frequency). This variant has not been reported in the literature in individuals affected with APC-related conditions. ClinVar contains an entry for this variant (Variation ID: 2708906). Invitae Evidence Modeling of protein sequence and biophysical properties (such as structural, functional, and spatial information, amino acid conservation, physicochemical variation, residue mobility, and thermodynamic stability) indicates that this missense variant is not expected to disrupt APC protein function with a negative predictive value of 95%. In summary, the available evidence is currently insufficient to determine the role of this variant in disease. Therefore, it has been classified as a Variant of Uncertain Significance.

Ambry Genetics
Classification: Uncertain significance for Hereditary cancer-predisposing syndrome. Last evaluated: 2023-11-01. Review status: criteria provided, single submitter. Criteria: Ambry Variant Classification Scheme 2023. Collection method: clinical testing. Allele origin: germline.
Comment: The p.G2293D variant (also known as c.6878G>A), located in coding exon 15 of the APC gene, results from a G to A substitution at nucleotide position 6878. The glycine at codon 2293 is replaced by aspartic acid, an amino acid with similar properties. This amino acid position is conserved. In addition, in silico predictors for this gene do not accurately predict pathogenicity. Since supporting evidence is limited at this time, the clinical significance of this alteration remains unclear.